The following is an entry in ClinVar:

ClinVar aggregate classification (germline): Uncertain significance (1 of 4 stars; one submission).

Conditions:
RASopathy. Also called: Noonan spectrum disorder; rasopathies. Identifiers: Orphanet 536391, MedGen C5555857, MONDO:0021060.

Submission:

Labcorp Genetics (formerly Invitae), Labcorp
Classification: Uncertain significance for RASopathy. Last evaluated: 2025-05-27. Review status: criteria provided, single submitter. Criteria: Invitae Variant Classification Sherloc (09022015). Collection method: clinical testing. Allele origin: germline.
Comment: This sequence change replaces phenylalanine, which is neutral and non-polar, with valine, which is neutral and non-polar, at codon 311 of the SOS1 protein (p.Phe311Val). This variant is not present in population databases (gnomAD no frequency). This variant has not been reported in the literature in individuals affected with SOS1-related conditions. Invitae Evidence Modeling of protein sequence and biophysical properties (such as structural, functional, and spatial information, amino acid conservation, physicochemical variation, residue mobility, and thermodynamic stability) has been performed for this missense variant. However, the output from this modeling did not meet the statistical confidence thresholds required to predict the impact of this variant on SOS1 protein function. In summary, the available evidence is currently insufficient to determine the role of this variant in disease. Therefore, it has been classified as a Variant of Uncertain Significance.

NM_005633.4(SOS1):c.931T>G (p.Phe311Val)

Gene: SOS1 (SOS Ras/Rac guanine nucleotide exchange factor 1; minus strand). Cytogenetic location: 2p22.1.
Variant type: single nucleotide variant.
Coding change: c.931T>G on transcript NM_005633.4 (MANE Select); coding-DNA position 931, T replaced by G.
Protein change: p.Phe311Val; replaces phenylalanine 311 with valine.
Molecular consequence: missense variant.
Genome position (GRCh38, 1-based): chr2:39,035,434, A>C on the plus strand (T>G on the coding strand, the complement: SOS1 is on the minus strand). VCF-style: chr2-39035434-A-C. GRCh37 (hg19) VCF-style: chr2-39262575-A-C.
Other names: c.910T>G, p.Phe304Val (NM_001382394.1); c.931T>G, p.Phe311Val (NM_001382395.1); short protein forms F311V, F304V.
Identifiers: ClinVar variation 4747111 (VCV004747111.1).